The following is an entry in ClinVar:

ClinVar aggregate classification (germline): Uncertain significance. Review status: criteria provided, multiple submitters, no conflicts (2 of 4 stars). 5 submissions from 5 submitters: Uncertain significance (5). Last evaluated 2024-01-03.

Conditions:
Inborn genetic diseases. Identifiers: MedGen C0950123, MeSH D030342.

Allele frequency attached by ClinVar (database versions not stated): TOPMed 0.00001; gnomAD 0.00002 and 0.00003; gnomAD exomes 0.00006; ExAC 0.00007; 1000 Genomes Project 0.00020; 1000 Genomes Project 30x 0.00031.
gnomAD v4.1: 66 of 1,614,158 alleles (0.0041%); highest among the groups gnomAD compares: Non-Finnish European, 0.0031%; no homozygotes.

Submissions (5):

Ambry Genetics
Classification: Uncertain significance for Inborn genetic diseases. Last evaluated: 2024-01-03. Review status: criteria provided, single submitter. Criteria: Ambry Variant Classification Scheme 2023. Collection method: clinical testing. Allele origin: germline.

GeneDx
Classification: Uncertain significance. Last evaluated: 2023-07-11. Review status: criteria provided, single submitter. Criteria: GeneDx Variant Classification Process June 2021. Collection method: clinical testing. Allele origin: germline. Affected: yes.
Comment: In silico analysis supports that this missense variant does not alter protein structure/function; Has not been previously published as pathogenic or benign to our knowledge

Labcorp Genetics (formerly Invitae), Labcorp
Classification: Uncertain significance. Last evaluated: 2022-06-05. Review status: criteria provided, single submitter. Criteria: Invitae Variant Classification Sherloc (09022015). Collection method: clinical testing. Allele origin: germline.
Comment: In summary, the available evidence is currently insufficient to determine the role of this variant in disease. Therefore, it has been classified as a Variant of Uncertain Significance. This sequence change replaces arginine, which is basic and polar, with glutamine, which is neutral and polar, at codon 221 of the HSPG2 protein (p.Arg221Gln). Algorithms developed to predict the effect of missense changes on protein structure and function output the following: SIFT: "Tolerated"; PolyPhen-2: "Benign"; Align-GVGD: "Class C0". The glutamine amino acid residue is found in multiple mammalian species, which suggests that this missense change does not adversely affect protein function. ClinVar contains an entry for this variant (Variation ID: 804909). This variant has not been reported in the literature in individuals affected with HSPG2-related conditions. This variant is present in population databases (rs539990898, gnomAD 0.04%). Algorithms developed to predict the effect of sequence changes on RNA splicing suggest that this variant may create or strengthen a splice site.

Athena Diagnostics
Classification: Uncertain significance. Last evaluated: 2019-06-17. Review status: criteria provided, single submitter. Criteria: Athena Diagnostics Criteria. Collection method: clinical testing. Allele origin: germline.

ARUP Laboratories, Molecular Genetics and Genomics, ARUP Laboratories
Classification: Uncertain significance. Last evaluated: 2019-05-03. Review status: criteria provided, single submitter. Criteria: ARUP Molecular Germline Variant Investigation Process. Collection method: clinical testing. Allele origin: germline.
Comment: The HSPG2 c.662G>A; p.Arg221Gln variant (rs539990898), to our knowledge, is not reported in the medical literature or gene specific databases. This variant is found in the Finnish European population with an allele frequency of 0.036% (9/25098 alleles) in the Genome Aggregation Database. The arginine at codon 221 is weakly conserved, and computational analyses (SIFT, PolyPhen-2) predict that this variant is tolerated. Due to limited information, the clinical significance of the p.Arg221Gln variant is uncertain at this time.

NM_005529.7(HSPG2):c.662G>A (p.Arg221Gln)

Gene: HSPG2 (heparan sulfate proteoglycan 2; minus strand). Cytogenetic location: 1p36.12.
Variant type: single nucleotide variant.
Coding change: c.662G>A on transcript NM_005529.7 (MANE Select); coding-DNA position 662, G replaced by A.
Protein change: p.Arg221Gln; replaces arginine 221 with glutamine.
Molecular consequence: missense variant.
Genome position (GRCh38, 1-based): chr1:21,887,979, C>T on the plus strand (G>A on the coding strand, the complement: HSPG2 is on the minus strand). VCF-style: chr1-21887979-C-T. GRCh37 (hg19) VCF-style: chr1-22214472-C-T.
Other names: c.662G>A, p.Arg221Gln (NM_001291860.2); c.662G>A (NM_005529.5); short protein forms R221Q.
Identifiers: ClinVar variation 804909 (VCV000804909.14), dbSNP rs539990898, ClinGen allele CA673747.